The following is an entry in ClinVar:

NM_024675.4(PALB2):c.437GAA[1] (p.Arg147del)

Gene: PALB2 (partner and localizer of BRCA2; minus strand). Cytogenetic location: 16p12.2.
Variant type: Microsatellite.
Coding change: c.437GAA[1] on transcript NM_024675.4 (MANE Select); one copy of the 3-base unit GAA starting at c.437; the reference has two copies in a row; one copy, 3 bases deleted; also written c.440_442del.
Protein change: p.Arg147del; deletes arginine 147.
Molecular consequence: inframe deletion.
Genome position (GRCh38, 1-based): chr16:23,636,104-23,636,106, TTC deleted on the plus strand (GAA on the coding strand, the reverse complement: PALB2 is on the minus strand); deleting any 3 consecutive bases within chr16:23,636,104-23,636,110 gives the same sequence; the position shown is the placement nearest the transcript's 3' end. VCF-style (leftmost placement, unchanged base first): chr16-23636103-TTTC-T. GRCh37 (hg19) VCF-style: chr16-23647424-TTTC-T.
Other names: c.440_442delGAA (NM_024675.3, NM_024675.4); c.440_442del (NM_024675.4); short protein forms R147del.
Identifiers: ClinVar variation 371807 (VCV000371807.24), dbSNP rs760629975, ClinGen allele CA7963795.

ClinVar aggregate classification (germline): Uncertain significance. Review status: criteria provided, multiple submitters, no conflicts (2 of 4 stars). 7 submissions from 7 submitters: Uncertain significance (6). 1 of the submissions does not count toward it. Last evaluated 2025-10-16.

Conditions:
Hereditary cancer-predisposing syndrome. Also called: Tumor predisposition; Hereditary neoplastic syndrome; Neoplastic Syndromes, Hereditary; Hereditary Cancer Syndrome. Identifiers: Orphanet 140162, MedGen C0027672, MeSH D009386, MONDO:0015356.
Familial cancer of breast. Also called: BREAST CANCER, FAMILIAL; hereditary breast carcinoma; Hereditary breast cancer. Identifiers: Orphanet 227535, MedGen C0346153, MONDO:0016419, OMIM 114480. Disease mechanism: loss of function.

Submissions (7):

Ambry Genetics
Classification: Uncertain significance for Hereditary cancer-predisposing syndrome. Last evaluated: 2025-10-16. Review status: criteria provided, single submitter. Criteria: Ambry Variant Classification Scheme 2023. Collection method: clinical testing. Allele origin: germline.
Comment: The c.440_442delGAA variant (also known as p.R147del) is located in coding exon 4 of the PALB2 gene. This variant results from an in-frame GAA deletion at nucleotide positions 440 to 442. This results in the in-frame deletion of an arginine at codon 147. This amino acid position is not well conserved in available vertebrate species. In addition, the in silico prediction for this alteration is inconclusive (Choi Y et al. PLoS ONE. 2012; 7(10):e46688). Since supporting evidence is limited at this time, the clinical significance of this alteration remains unclear.

Women's Health and Genetics/Laboratory Corporation of America, LabCorp
Classification: Uncertain significance. Last evaluated: 2025-07-08. Review status: criteria provided, single submitter. Criteria: LabCorp Variant Classification Summary - May 2015. Collection method: clinical testing. Allele origin: germline.
Comment: Variant summary: PALB2 c.440_442delGAA (p.Arg147del) results in an in-frame deletion that is predicted to remove one amino acid from the encoded protein. The variant allele was found at a frequency of 4e-06 in 251344 control chromosomes. The available data on variant occurrences in the general population are insufficient to allow any conclusion about variant significance. To our knowledge, no occurrence of c.440_442delGAA in individuals affected with Hereditary Breast And Ovarian Cancer Syndrome and no experimental evidence demonstrating its impact on protein function have been reported. ClinVar contains an entry for this variant (Variation ID: 371807). Based on the evidence outlined above, the variant was classified as uncertain significance.

Myriad Genetics, Inc.
Classification: Uncertain significance for Familial cancer of breast. Last evaluated: 2023-03-30. Review status: criteria provided, single submitter. Criteria: Myriad Autosomal Dominant, Autosomal Recessive and X-Linked Classification Criteria (2023). Collection method: clinical testing. Allele origin: unknown.
Comment: This variant is classified as a variant of uncertain significance as there is insufficient evidence to determine its impact on protein function and/or cancer risk.

Labcorp Genetics (formerly Invitae), Labcorp
Classification: Uncertain significance for Familial cancer of breast. Last evaluated: 2022-01-11. Review status: criteria provided, single submitter. Criteria: Invitae Variant Classification Sherloc (09022015). Collection method: clinical testing. Allele origin: germline.
Comment: In summary, the available evidence is currently insufficient to determine the role of this variant in disease. Therefore, it has been classified as a Variant of Uncertain Significance. Experimental studies and prediction algorithms are not available or were not evaluated, and the functional significance of this variant is currently unknown. ClinVar contains an entry for this variant (Variation ID: 371807). This variant has not been reported in the literature in individuals affected with PALB2-related conditions. This variant is present in population databases (rs760629975, gnomAD 0.0009%). This variant, c.440_442del, results in the deletion of 1 amino acid(s) of the PALB2 protein (p.Arg147del), but otherwise preserves the integrity of the reading frame.

Color Diagnostics, LLC DBA Color Health
Classification: Uncertain significance for Hereditary cancer-predisposing syndrome. Last evaluated: 2021-09-22. Review status: criteria provided, single submitter. Criteria: ACMG Guidelines, 2015. Collection method: clinical testing. Allele origin: germline.
Comment: This variant causes a deletion of 1 amino acid from the PALB2 protein. To our knowledge, functional studies have not been reported for this variant. Over 10 mammalian species have a gap over this amino acid position, suggesting that this variant may be tolerated for PALB2 protein function. This variant has not been reported in individuals affected with hereditary cancer in the literature. This variant has been identified in 1/251344 chromosomes in the general population by the Genome Aggregation Database (gnomAD). The available evidence is insufficient to determine the role of this variant in disease conclusively. Therefore, this variant is classified as a Variant of Uncertain Significance.

GeneDx
Classification: Uncertain significance. Last evaluated: 2016-11-22. Review status: criteria provided, single submitter. Criteria: GeneDx Variant Classification (06012015). Collection method: clinical testing. Allele origin: germline. Affected: yes.
Comment: This in-frame deletion of three nucleotides in PALB2 is denoted c.440_442delGAA at the cDNA level and p.Arg147del (R147del) at the protein level. The normal sequence, with the bases that are deleted in brackets, is AGAA[delGAA]AGAA. This deletion occurs in a region that is not conserved and is located in the region of DNA-binding, and BRCA1 and RAD51 interaction, as well as the region required for oligomerization and focal concentration at DNA damage sites (UniProt). In silico analyses are inconsistent regarding the effect this variant may have on protein structure and function. This variant has not, to our knowledge, been published in the literature as pathogenic or benign. Since in-frame deletions may or may not inhibit proper protein functioning, the clinical significance of this finding remains unclear at this time and we consider PALB2 Arg147del to be a variant of uncertain significance.

Counsyl
Classification: Uncertain significance for Familial cancer of breast. Last evaluated: 2015-12-22. Review status: no assertion criteria provided. Collection method: clinical testing. Allele origin: unknown. Not counted in ClinVar's aggregate classification.